The following is an entry in ClinVar:

ClinVar aggregate classification (germline): Uncertain significance (1 of 4 stars; one submission).

Submission:

GeneDx
Classification: Uncertain significance. Last evaluated: 2016-09-19. Review status: criteria provided, single submitter. Criteria: GeneDx Variant Classification (06012015). Collection method: clinical testing. Allele origin: germline. Affected: yes.
Comment: The E1323K variant has not been published as a pathogenic variant, nor has it been reported as a benign variant to our knowledge. The variant was not observed in approximately 6,100 individuals of European and African American ancestry in the NHLBI Exome Sequencing Project, indicating it is not a common benign variant in these populations. E1323K is a non-conservative amino acid substitution, which is likely to impact secondary protein structure as these residues differ in polarity, charge, size and/or other properties. This substitution occurs at a position that is conserved across species, and in silico analysis predicts this variant is probably damaging to the protein structure/function. However, few pathogenic missense variants have been reported in CHARGE syndrome, as most pathogenic variants introduce a premature termination codon. Therefore, based on the currently available information, it is unclear whether this variant is a pathogenic variant or a rare benign variant.

NM_017780.4(CHD7):c.3967G>A (p.Glu1323Lys)

Gene: CHD7 (chromodomain helicase DNA binding protein 7; plus strand). Cytogenetic location: 8q12.2.
Variant type: single nucleotide variant.
Coding change: c.3967G>A on transcript NM_017780.4 (MANE Select); coding-DNA position 3967, G replaced by A.
Protein change: p.Glu1323Lys; replaces glutamic acid 1323 with lysine.
Molecular consequence: missense variant. On other transcripts: intron variant (1).
Genome position (GRCh38, 1-based): chr8:60,836,261, G>A. VCF-style: chr8-60836261-G-A. GRCh37 (hg19) VCF-style: chr8-61748820-G-A.
Other names: c.1717-25968G>A (NM_001316690.1); c.3967G>A (LRG_176t1); short protein forms E1323K.
Identifiers: ClinVar variation 279760 (VCV000279760.2), dbSNP rs886041168, ClinGen allele CA10603117.
Genomic context (GRCh38, chr8:60,836,261, plus strand): 5'-AAGGCTGGTGGCCACAGGGTGCTTATCTTTTCCCAGATGGTGCGCTGCTTGGACATACTG[G>A]AAGACTACCTCATTCAAAGACGGTGAGGACCACCATATCAGAATAATAAAAAGGAAATCT-3'
Protein context (NP_060250.2, residues 1313-1333): SQMVRCLDIL[Glu1323Lys]DYLIQRRYPY